The following is an entry in ClinVar:

ClinVar aggregate classification (germline): Likely pathogenic (1 of 4 stars; one submission).

Conditions:
Spastic paraplegia 86, autosomal recessive (SPG86). Identifiers: Orphanet 631085, MedGen C5676910, MONDO:0030673, OMIM 619735.

Submission:

Genomic Research Center, Shahid Beheshti University of Medical Sciences
Classification: Likely pathogenic for Spastic paraplegia 86, autosomal recessive. Review status: criteria provided, single submitter. Criteria: ACMG Guidelines, 2015. Collection method: clinical testing. Allele origin: inherited. Affected: yes. Observed: 1 homozygote.
Comment: This CNV, a 65-bp deletion of exon 10 in ABHD16A, overlaps one protein-coding gene and partially overlaps a region with moderate haploinsufficiency/LOF sensitivity. ABHD16A has no official ClinGen HI score, but eight pathogenic null variants have been reported, with gnomAD o/e and pLI scores suggesting moderate intolerance to loss-of-function, and DECIPHER HI score of 34.5%. No known dosage-sensitive or critical region is fully included. The deletion may potentially affect gene function.

NM_021184.4(C6orf47):c.*684_*748del

Gene: C6orf47 (chromosome 6 open reading frame 47; minus strand). Cytogenetic location: 6p21.33.
Variant type: Deletion.
Coding change: c.*684_*748del on transcript NM_021184.4 (MANE Select); 684 bases downstream of the stop codon through 748 bases downstream of the stop codon, 65 bases deleted.
Molecular consequence: 3 prime UTR variant.
Genome position (GRCh38, 1-based): chr6:31,658,315-31,658,379, 65 bases deleted. GRCh37 (hg19): chr6:31,626,092-31,626,156.
Identifiers: ClinVar variation 4538540 (VCV004538540.1).